The following is an entry in ClinVar:

NM_005857.5(ZMPSTE24):c.1204-2A>G

Gene: ZMPSTE24 (zinc metallopeptidase STE24; plus strand). Cytogenetic location: 1p34.2.
Variant type: single nucleotide variant.
Coding change: c.1204-2A>G on transcript NM_005857.5 (MANE Select); the canonical splice acceptor site of the intron before coding-DNA position 1204, A replaced by G.
Molecular consequence: splice acceptor variant.
Genome position (GRCh38, 1-based): chr1:40,292,443, A>G. VCF-style: chr1-40292443-A-G. GRCh37 (hg19) VCF-style: chr1-40758115-A-G.
Identifiers: ClinVar variation 2828120 (VCV002828120.3), dbSNP rs2522438796, ClinGen allele CA339872159.

ClinVar aggregate classification (germline): Likely pathogenic (1 of 4 stars; one submission).

Allele frequency attached by ClinVar (database versions not stated): gnomAD exomes below 0.00001.
gnomAD v4.1: 1 of 1,613,334 alleles (0.000062%); highest among the groups gnomAD compares: Non-Finnish European, 0.000085%; no homozygotes.

Submission:

Labcorp Genetics (formerly Invitae), Labcorp
Classification: Likely pathogenic. Last evaluated: 2023-01-13. Review status: criteria provided, single submitter. Criteria: Invitae Variant Classification Sherloc (09022015). Collection method: clinical testing. Allele origin: germline.
Comment: In summary, the currently available evidence indicates that the variant is pathogenic, but additional data are needed to prove that conclusively. Therefore, this variant has been classified as Likely Pathogenic. Variants that disrupt the consensus splice site are a relatively common cause of aberrant splicing (PMID: 17576681, 9536098). Algorithms developed to predict the effect of sequence changes on RNA splicing suggest that this variant may disrupt the consensus splice site. Disruption of this splice site has been observed in individual(s) with mandibulo-acral dysplasia (PMID: 24169522). In at least one individual the data is consistent with being in trans (on the opposite chromosome) from a pathogenic variant. It has also been observed to segregate with disease in related individuals. This variant is not present in population databases (gnomAD no frequency). This sequence change affects an acceptor splice site in intron 9 of the ZMPSTE24 gene. While this variant is not anticipated to result in nonsense mediated decay, it likely alters RNA splicing and results in a disrupted protein product.

Literature cited by the submitters: PubMed 17576681; PubMed 9536098; PubMed 24169522.